The following is an entry in ClinVar:

ClinVar aggregate classification (germline): Likely pathogenic. Review status: criteria provided, multiple submitters, no conflicts (2 of 4 stars). 2 submissions from 2 submitters: Likely pathogenic (2). Last evaluated 2024-04-23.

Conditions:
Congenital hyperammonemia, type I. Also called: Carbamoyl phosphate synthetase I deficiency disease; CPS I DEFICIENCY; Carbamoyl phosphate synthetase 1 deficiency; Hyperammonemia due to carbamoyl phosphate synthetase 1 deficiency; CPS 1 deficiency; Carbamyl phosphate synthetase (CPS) deficiency. Identifiers: Orphanet 147, MedGen C4082171, MONDO:0009376, OMIM 237300.
Pulmonary hypertension, neonatal, susceptibility to (PHN). Identifiers: MedGen C3714958, MONDO:0014151, OMIM 615371.

Submissions (2):

Fulgent Genetics
Classification: Likely pathogenic for Congenital hyperammonemia, type I; Pulmonary hypertension, neonatal, susceptibility to. Last evaluated: 2024-04-23. Review status: criteria provided, single submitter. Criteria: ACMG Guidelines, 2015. Collection method: clinical testing. Allele origin: germline.

Labcorp Genetics (formerly Invitae), Labcorp
Classification: Likely pathogenic for Congenital hyperammonemia, type I. Last evaluated: 2021-05-06. Review status: criteria provided, single submitter. Criteria: Invitae Variant Classification Sherloc (09022015). Collection method: clinical testing. Allele origin: germline.
Comment: This sequence change affects an acceptor splice site in intron 6 of the CPS1 gene. It is expected to disrupt RNA splicing. Variants that disrupt the donor or acceptor splice site typically lead to a loss of protein function (PMID: 16199547), and loss-of-function variants in CPS1 are known to be pathogenic (PMID: 21120950). This variant is not present in population databases (ExAC no frequency). This variant has not been reported in the literature in individuals with CPS1-related conditions. In summary, the currently available evidence indicates that the variant is pathogenic, but additional data are needed to prove that conclusively. Therefore, this variant has been classified as Likely Pathogenic. Algorithms developed to predict the effect of sequence changes on RNA splicing suggest that this variant may disrupt the consensus splice site, but this prediction has not been confirmed by published transcriptional studies.

Literature cited by the submitters: PubMed 16199547 (cited by Labcorp Genetics (formerly Invitae), Labcorp); PubMed 21120950 (cited by Labcorp Genetics (formerly Invitae), Labcorp).

NM_001875.5(CPS1):c.622-2A>G

Gene: CPS1 (carbamoyl-phosphate synthase 1; plus strand). Cytogenetic location: 2q34.
Variant type: single nucleotide variant.
Coding change: c.622-2A>G on transcript NM_001875.5 (MANE Select); the canonical splice acceptor site of the intron before coding-DNA position 622, A replaced by G.
Molecular consequence: splice acceptor variant.
Genome position (GRCh38, 1-based): chr2:210,588,056, A>G. VCF-style: chr2-210588056-A-G. GRCh37 (hg19) VCF-style: chr2-211452780-A-G.
Other names: c.622-2A>G (NM_001369257.1, NM_001122633.3); c.655-2A>G (NM_001369256.1).
Identifiers: ClinVar variation 1480163 (VCV001480163.9), dbSNP rs2106103778, ClinGen allele CA350428893.